The following is an entry in ClinVar:

ClinVar aggregate classification (germline): Benign (0 of 4 stars; one submission).

Conditions:
ITPR2-related disorder. Also called: ITPR2-related condition.

Allele frequency attached by ClinVar (database versions not stated): 1000 Genomes Project 30x 0.12086; 1000 Genomes Project 0.12240; TOPMed 0.16870; gnomAD 0.17321; ESP Exome Variant Server 0.18362; ExAC 0.18816; gnomAD exomes 0.22336.
gnomAD v4.1: 349,425 of 1,604,894 alleles (22%); highest among the groups gnomAD compares: Non-Finnish European, 25%; 41,783 homozygotes.

Submission:

PreventionGenetics, part of Exact Sciences
Classification: Benign for ITPR2-related condition. Last evaluated: 2019-10-29. Review status: no assertion criteria provided. Collection method: clinical testing. Allele origin: germline.
Comment: This variant is classified as benign based on ACMG/AMP sequence variant interpretation guidelines (Richards et al. 2015 PMID: 25741868, with internal and published modifications).

NM_002223.4(ITPR2):c.2694C>T (p.Ala898=)

Gene: ITPR2 (inositol 1,4,5-trisphosphate receptor type 2; minus strand). Cytogenetic location: 12p11.23.
Variant type: single nucleotide variant.
Coding change: c.2694C>T on transcript NM_002223.4 (MANE Select); coding-DNA position 2694, C replaced by T.
Protein change: p.Ala898=; no amino-acid change (alanine 898 retained).
Molecular consequence: synonymous variant.
Genome position (GRCh38, 1-based): chr12:26,654,022, G>A on the plus strand (C>T on the coding strand, the complement: ITPR2 is on the minus strand). VCF-style: chr12-26654022-G-A. GRCh37 (hg19) VCF-style: chr12-26806955-G-A.
Other names: c.2691C>T, p.Ala897= (NM_001414174.1); c.2694C>T, p.Ala898= (NM_001414175.1).
Identifiers: ClinVar variation 3060706 (VCV003060706.2), dbSNP rs2230380, ClinGen allele CA6489516.
Genomic context (GRCh38, chr12:26,654,022, plus strand): 5'-CCCAAAATTCTTACCTCCATCTTGAAATTTGCTTAATCTTTCAAAGTATGATGACATGGG[G>A]GCCTGTACAATGTCTAAAATAGCCAGAAGTGTTCTTGTTAGCCTTAATAACTCACTGAAA-3'
Protein context (NP_002214.2, residues 888-908): TLLAILDIVQ[Ala898=]PMSSYFERLS